The following is an entry in ClinVar:

ClinVar aggregate classification (germline): Likely benign (1 of 4 stars; one submission).

Allele frequency attached by ClinVar (database versions not stated): gnomAD exomes below 0.00001; TOPMed 0.00001.
gnomAD v4.1: 8 of 1,517,484 alleles (0.00053%); highest among the groups gnomAD compares: Middle Eastern, 0.018%; no homozygotes.

Submission:

CeGaT Center for Human Genetics Tuebingen
Classification: Likely benign. Last evaluated: 2024-06-01. Review status: criteria provided, single submitter. Criteria: CeGaT Center For Human Genetics Tuebingen Variant Classification Criteria Version 2. Collection method: clinical testing. Allele origin: germline. Affected: yes. Observed: 1 variant allele.
Comment: CTBP1: PM2:Supporting, BP4, BP7

NM_001012614.2(CTBP1):c.1257G>A (p.Glu419=)

Genes: CTBP1 (C-terminal binding protein 1; minus strand), CTBP1-AS (CTBP1 antisense RNA; plus strand). Cytogenetic location: 4p16.3.
Variant type: single nucleotide variant.
Coding change: c.1257G>A on transcript NM_001012614.2 (MANE Select); coding-DNA position 1257, G replaced by A.
Protein change: p.Glu419=; no amino-acid change (glutamic acid 419 retained).
Molecular consequence: synonymous variant. On other transcripts: non-coding transcript variant (1).
Genome position (GRCh38, 1-based): chr4:1,212,273, C>T on the plus strand (G>A on the coding strand, the complement: CTBP1 is on the minus strand). VCF-style: chr4-1212273-C-T. GRCh37 (hg19) VCF-style: chr4-1206061-C-T.
Other names: c.1290G>A, p.Glu430= (NM_001328.3); c.1293G>A, p.Glu431= (NM_001377186.1); c.1260G>A, p.Glu420= (NM_001377187.1, NM_001377188.1, NM_001377189.1 and 1 more transcripts); c.1257G>A, p.Glu419= (NM_001377191.1, NM_001377192.1, NM_001377193.1).
Identifiers: ClinVar variation 3250772 (VCV003250772.18), dbSNP rs1271593874.